The following is an entry in ClinVar:

NM_018706.7(DHTKD1):c.626C>T (p.Ser209Leu)

Gene: DHTKD1 (dehydrogenase E1 and transketolase domain containing 1; plus strand). Cytogenetic location: 10p14.
Variant type: single nucleotide variant.
Coding change: c.626C>T on transcript NM_018706.7 (MANE Select); coding-DNA position 626, C replaced by T.
Protein change: p.Ser209Leu; replaces serine 209 with leucine.
Molecular consequence: missense variant.
Genome position (GRCh38, 1-based): chr10:12,087,638, C>T. VCF-style: chr10-12087638-C-T. GRCh37 (hg19) VCF-style: chr10-12129637-C-T.
Other names: short protein forms S209L.
Identifiers: ClinVar variation 520868 (VCV000520868.10), dbSNP rs780598300, ClinGen allele CA5407592.

ClinVar aggregate classification (germline): Uncertain significance. Review status: criteria provided, multiple submitters, no conflicts (2 of 4 stars). 2 submissions from 2 submitters: Uncertain significance (2). Last evaluated 2021-08-30.

Conditions:
2-aminoadipic 2-oxoadipic aciduria (AAKAD). Also called: Aminoadipic aciduria; ALPHA-AMINOADIPIC AND ALPHA-KETOADIPIC ACIDURIA. Identifiers: Orphanet 79154, MedGen C1859817, MONDO:0008774, OMIM 204750.
Inborn genetic diseases. Identifiers: MedGen C0950123, MeSH D030342.

Allele frequency attached by ClinVar (database versions not stated): gnomAD exomes 0.00001 and 0.00004; gnomAD 0.00003; TOPMed 0.00003; ExAC 0.00004.
gnomAD v4.1: 21 of 1,614,018 alleles (0.0013%); highest among the groups gnomAD compares: East Asian, 0.016%; no homozygotes.

Submissions (2):

Labcorp Genetics (formerly Invitae), Labcorp
Classification: Uncertain significance for 2-aminoadipic 2-oxoadipic aciduria. Last evaluated: 2021-08-30. Review status: criteria provided, single submitter. Criteria: Invitae Variant Classification Sherloc (09022015). Collection method: clinical testing. Allele origin: germline.
Comment: In summary, the available evidence is currently insufficient to determine the role of this variant in disease. Therefore, it has been classified as a Variant of Uncertain Significance. Algorithms developed to predict the effect of missense changes on protein structure and function (SIFT, PolyPhen-2, Align-GVGD) all suggest that this variant is likely to be tolerated. ClinVar contains an entry for this variant (Variation ID: 520868). This variant has not been reported in the literature in individuals affected with DHTKD1-related conditions. This variant is present in population databases (rs780598300, ExAC 0.05%). This sequence change replaces serine with leucine at codon 209 of the DHTKD1 protein (p.Ser209Leu). The serine residue is moderately conserved and there is a large physicochemical difference between serine and leucine.

Ambry Genetics
Classification: Uncertain significance for Inborn genetic diseases. Last evaluated: 2015-11-19. Review status: criteria provided, single submitter. Criteria: Ambry exome assertion method (8-5-2015). Collection method: clinical testing. Allele origin: germline. Affected: yes. Observed: 1 variant allele.

Literature cited by the submitters: PubMed 8069629 (cited by Ambry Genetics); PubMed 25860818 (cited by Ambry Genetics).